The following is an entry in ClinVar:

NC_000005.9:g.(?_112168952)_(112177247_?)del

Gene: APC (APC regulator of Wnt signaling pathway; plus strand). Cytogenetic location: 5q22.2.
Variant type: Deletion.
Identifiers: ClinVar variation 3246388 (VCV003246388.1).

ClinVar aggregate classification (germline): Pathogenic (1 of 4 stars; one submission).

Conditions:
Familial adenomatous polyposis 1 (FAP1). Also called: POLYPOSIS, ADENOMATOUS INTESTINAL; FAMILIAL ADENOMATOUS POLYPOSIS 1, ATTENUATED. Identifiers: MedGen C2713442, MONDO:0021056, OMIM 175100. Disease mechanism: loss of function.

Submission:

Labcorp Genetics (formerly Invitae), Labcorp
Classification: Pathogenic for Familial adenomatous polyposis 1. Last evaluated: 2022-11-07. Review status: criteria provided, single submitter. Criteria: Invitae Variant Classification Sherloc (09022015). Collection method: clinical testing. Allele origin: unknown.
Comment: This variant results in the deletion of exon 15 and part of exon 16 (c.1744-1696_5956delinsCACTATACTCTG) of the APC gene. While this variant is not anticipated to result in nonsense mediated decay, it likely alters RNA splicing and results in a disrupted protein product. This variant has not been reported in the literature in individuals affected with APC-related conditions. For these reasons, this variant has been classified as Pathogenic. This variant disrupts a region of the APC protein in which other variant(s) (p.Arg653Gly) have been determined to be pathogenic (PMID: 15459959, 19444466, 20223039, 26446593). This suggests that this is a clinically significant region of the protein, and that variants that disrupt it are likely to be disease-causing. Variants that disrupt the consensus splice site are a relatively common cause of aberrant splicing (PMID: 17576681, 9536098).

Literature cited by the submitters: PubMed 15459959; PubMed 19444466; PubMed 20223039; PubMed 26446593; PubMed 17576681; PubMed 9536098.